The following is an entry in ClinVar:

ClinVar aggregate classification (germline): Likely benign (0 of 4 stars; one submission).

Conditions:
HELQ-related disorder. Also called: HELQ-related condition.

Allele frequency attached by ClinVar (database versions not stated): ExAC 0.00099; ESP Exome Variant Server 0.00108; gnomAD 0.00129; 1000 Genomes Project 0.00160.
gnomAD v4.1: 2,237 of 1,613,704 alleles (0.14%); highest among the groups gnomAD compares: Admixed American, 0.24%; 6 homozygotes.

Submission:

PreventionGenetics, part of Exact Sciences
Classification: Likely benign for HELQ-related condition. Last evaluated: 2019-06-10. Review status: no assertion criteria provided. Collection method: clinical testing. Allele origin: germline.
Comment: This variant is classified as likely benign based on ACMG/AMP sequence variant interpretation guidelines (Richards et al. 2015 PMID: 25741868, with internal and published modifications).

NM_133636.5(HELQ):c.150C>T (p.Asn50=)

Genes: HELQ (helicase, POLQ like; minus strand), LOC112997542 (Sharpr-MPRA regulatory region 5990; plus strand). Cytogenetic location: 4q21.23.
Variant type: single nucleotide variant.
Coding change: c.150C>T on transcript NM_133636.5 (MANE Select); coding-DNA position 150, C replaced by T.
Protein change: p.Asn50=; no amino-acid change (asparagine 50 retained).
Molecular consequence: synonymous variant. On other transcripts: 5 prime UTR variant (2), non-coding transcript variant (1).
Genome position (GRCh38, 1-based): chr4:83,455,544, G>A on the plus strand (C>T on the coding strand, the complement: HELQ is on the minus strand). VCF-style: chr4-83455544-G-A. GRCh37 (hg19) VCF-style: chr4-84376697-G-A.
Other names: c.150C>T, p.Asn50= (NM_001297755.2, NM_001297758.2, NM_001297759.2); c.-1355C>T (NM_001297756.2); c.-1385C>T (NM_001297757.2).
Identifiers: ClinVar variation 3033776 (VCV003033776.2), dbSNP rs150006112, ClinGen allele CA2990068.
Genomic context (GRCh38, chr4:83,455,544, plus strand): 5'-ATCTGAGAGTAGAAGGGGCTGTACCTCAACCGGCAGTACGCCCGCGGTTTTCCGCCTCCT[G>A]TTCTCAGCCACCATTTCCTCCTCCTCTTTCCCCTCATCTCCGGGCACGAGCTCGGCCGCG-3'
Protein context (NP_598375.3, residues 40-60): GKEEEEMVAE[Asn50=]RRRKTAGVLP